The following is an entry in ClinVar:

ClinVar aggregate classification (germline): Pathogenic (1 of 4 stars; one submission).

Submission:

Labcorp Genetics (formerly Invitae), Labcorp
Classification: Pathogenic. Last evaluated: 2025-05-07. Review status: criteria provided, single submitter. Criteria: Invitae Variant Classification Sherloc (09022015). Collection method: clinical testing. Allele origin: germline.
Comment: This sequence change creates a premature translational stop signal (p.Glu451*) in the DSG1 gene. It is expected to result in an absent or disrupted protein product. Loss-of-function variants in DSG1 are known to be pathogenic (PMID: 19018793, 23974871, 27534273, 27632246, 29604126). This variant is not present in population databases (gnomAD no frequency). This variant has not been reported in the literature in individuals affected with DSG1-related conditions. For these reasons, this variant has been classified as Pathogenic.

Literature cited by the submitters: PubMed 19018793; PubMed 23974871; PubMed 27534273; PubMed 27632246; PubMed 29604126.

NM_001942.4(DSG1):c.1351G>T (p.Glu451Ter)

Gene: DSG1 (desmoglein 1; plus strand). Cytogenetic location: 18q12.1.
Variant type: single nucleotide variant.
Coding change: c.1351G>T on transcript NM_001942.4 (MANE Select); coding-DNA position 1351, G replaced by T.
Protein change: p.Glu451Ter; replaces glutamic acid 451 with a stop codon.
Molecular consequence: nonsense.
Genome position (GRCh38, 1-based): chr18:31,338,400, G>T. VCF-style: chr18-31338400-G-T. GRCh37 (hg19) VCF-style: chr18-28918363-G-T.
Other names: short protein forms E451*.
Identifiers: ClinVar variation 4718796 (VCV004718796.1).
Genomic context (GRCh38, chr18:31,338,400, plus strand): 5'-GACCTGCTAGCTGTTGATTCAAGAACAGGCAAACTCACTTTGAAAAATAAAGTTACCAAG[G>T]AACAGTACAATATGCTCGGAGGAAAATACCAAGGAACGATTCTCTCTATAGATGGTAAGA-3'